The following is an entry in ClinVar:

ClinVar aggregate classification (germline): Uncertain significance. Review status: criteria provided, multiple submitters, no conflicts (2 of 4 stars). 2 submissions from 2 submitters: Uncertain significance (2). Last evaluated 2024-07-02.

Allele frequency attached by ClinVar (database versions not stated): gnomAD 0.00003; TOPMed 0.00003; ExAC 0.00004.
gnomAD v4.1: 68 of 1,613,638 alleles (0.0042%); highest among the groups gnomAD compares: South Asian, 0.032%; 1 homozygote.

Submissions (2):

Ambry Genetics
Classification: Uncertain significance. Last evaluated: 2024-07-02. Review status: criteria provided, single submitter. Criteria: Ambry Variant Classification Scheme 2023. Collection method: clinical testing. Allele origin: germline.

Labcorp Genetics (formerly Invitae), Labcorp
Classification: Uncertain significance. Last evaluated: 2024-03-27. Review status: criteria provided, single submitter. Criteria: Invitae Variant Classification Sherloc (09022015). Collection method: clinical testing. Allele origin: germline.
Comment: This sequence change replaces arginine, which is basic and polar, with glutamine, which is neutral and polar, at codon 671 of the KL protein (p.Arg671Gln). This variant is present in population databases (rs750131236, gnomAD 0.02%). This variant has not been reported in the literature in individuals affected with KL-related conditions. Advanced modeling of protein sequence and biophysical properties (such as structural, functional, and spatial information, amino acid conservation, physicochemical variation, residue mobility, and thermodynamic stability) performed at Invitae indicates that this missense variant is not expected to disrupt KL protein function with a negative predictive value of 80%. In summary, the available evidence is currently insufficient to determine the role of this variant in disease. Therefore, it has been classified as a Variant of Uncertain Significance.

NM_004795.4(KL):c.2012G>A (p.Arg671Gln)

Gene: KL (klotho; plus strand). Cytogenetic location: 13q13.1.
Variant type: single nucleotide variant.
Coding change: c.2012G>A on transcript NM_004795.4 (MANE Select); coding-DNA position 2012, G replaced by A.
Protein change: p.Arg671Gln; replaces arginine 671 with glutamine.
Molecular consequence: missense variant.
Genome position (GRCh38, 1-based): chr13:33,061,091, G>A. VCF-style: chr13-33061091-G-A. GRCh37 (hg19) VCF-style: chr13-33635228-G-A.
Other names: c.2012G>A (NM_004795.3); short protein forms R671Q.
Identifiers: ClinVar variation 2958651 (VCV002958651.4), dbSNP rs750131236, ClinGen allele CA6944228.